The following is an entry in ClinVar:

ClinVar aggregate classification (germline): Uncertain significance (1 of 4 stars; one submission).

Conditions:
Focal segmental glomerulosclerosis 5 (FSGS5). Identifiers: Orphanet 656, MedGen C2750475, MONDO:0013191, OMIM 613237.
Charcot-Marie-Tooth disease dominant intermediate E. Also called: CHARCOT-MARIE-TOOTH NEUROPATHY WITH FOCAL SEGMENTAL GLOMERULONEPHRITIS. Identifiers: Orphanet 93114, MedGen C4302667, MONDO:0013758, OMIM 614455.

Submission:

Labcorp Genetics (formerly Invitae), Labcorp
Classification: Uncertain significance for Charcot-Marie-Tooth disease dominant intermediate E; Focal segmental glomerulosclerosis 5. Last evaluated: 2024-02-23. Review status: criteria provided, single submitter. Criteria: Invitae Variant Classification Sherloc (09022015). Collection method: clinical testing. Allele origin: germline.
Comment: This sequence change replaces valine, which is neutral and non-polar, with glycine, which is neutral and non-polar, at codon 195 of the INF2 protein (p.Val195Gly). This variant is not present in population databases (gnomAD no frequency). This variant has not been reported in the literature in individuals affected with INF2-related conditions. Advanced modeling of protein sequence and biophysical properties (such as structural, functional, and spatial information, amino acid conservation, physicochemical variation, residue mobility, and thermodynamic stability) has been performed at Invitae for this missense variant, however the output from this modeling did not meet the statistical confidence thresholds required to predict the impact of this variant on INF2 protein function. In summary, the available evidence is currently insufficient to determine the role of this variant in disease. Therefore, it has been classified as a Variant of Uncertain Significance.

NM_022489.4(INF2):c.584T>G (p.Val195Gly)

Gene: INF2 (inverted formin 2; plus strand). Cytogenetic location: 14q32.33.
Variant type: single nucleotide variant.
Coding change: c.584T>G on transcript NM_022489.4 (MANE Select); coding-DNA position 584, T replaced by G.
Protein change: p.Val195Gly; replaces valine 195 with glycine.
Molecular consequence: missense variant. On other transcripts: non-coding transcript variant (1).
Genome position (GRCh38, 1-based): chr14:104,703,371, T>G. VCF-style: chr14-104703371-T-G. GRCh37 (hg19) VCF-style: chr14-105169708-T-G.
Other names: c.584T>G, p.Val195Gly (NM_001031714.4, NM_001426862.1, NM_001426863.1 and 6 more transcripts); short protein forms V195G.
Identifiers: ClinVar variation 3748759 (VCV003748759.2).